The following is an entry in ClinVar:

ClinVar aggregate classification (germline): Uncertain significance. Review status: criteria provided, multiple submitters, no conflicts (2 of 4 stars). 2 submissions from 2 submitters: Uncertain significance (2). Last evaluated 2025-06-07.

Conditions:
Brugada syndrome. Also called: Sudden unexpected nocturnal death syndrome; Sudden Unexplained Death Syndrome; Sudden Unexplained Nocturnal Death Syndrome (SUNDS); Sudden unexplained nocturnal death syndrome. Identifiers: Orphanet 130, MedGen C1142166, MONDO:0015263.
Cardiovascular phenotype. Identifiers: MedGen CN230736.

Allele frequency attached by ClinVar (database versions not stated): gnomAD exomes below 0.00001 and 0.00001; ExAC 0.00001.
gnomAD v4.1: 7 of 1,613,454 alleles (0.00043%); highest among the groups gnomAD compares: Admixed American, 0.0017%; no homozygotes.

Submissions (2):

Ambry Genetics
Classification: Uncertain significance for Cardiovascular phenotype. Last evaluated: 2025-06-07. Review status: criteria provided, single submitter. Criteria: Ambry Variant Classification Scheme 2023. Collection method: clinical testing. Allele origin: germline.
Comment: The p.A321T variant (also known as c.961G>A), located in coding exon 11 of the CACNA2D1 gene, results from a G to A substitution at nucleotide position 961. The alanine at codon 321 is replaced by threonine, an amino acid with similar properties. This amino acid position is conserved. In addition, the in silico prediction for this alteration is inconclusive. Based on the available evidence, the clinical significance of this variant remains unclear.

Labcorp Genetics (formerly Invitae), Labcorp
Classification: Uncertain significance for Brugada syndrome. Last evaluated: 2021-08-07. Review status: criteria provided, single submitter. Criteria: Invitae Variant Classification Sherloc (09022015). Collection method: clinical testing. Allele origin: germline.
Comment: This sequence change replaces alanine with threonine at codon 321 of the CACNA2D1 protein (p.Ala321Thr). The alanine residue is highly conserved and there is a small physicochemical difference between alanine and threonine. In summary, the available evidence is currently insufficient to determine the role of this variant in disease. Therefore, it has been classified as a Variant of Uncertain Significance. Algorithms developed to predict the effect of missense changes on protein structure and function are either unavailable or do not agree on the potential impact of this missense change (SIFT: "Tolerated"; PolyPhen-2: "Probably Damaging"; Align-GVGD: "Class C0"). This variant has not been reported in the literature in individuals affected with CACNA2D1-related conditions. This variant is present in population databases (rs747509072, ExAC 0.006%).

NM_000722.4(CACNA2D1):c.961G>A (p.Ala321Thr)

Gene: CACNA2D1 (calcium voltage-gated channel auxiliary subunit alpha2delta 1; minus strand). Cytogenetic location: 7q21.11.
Variant type: single nucleotide variant.
Coding change: c.961G>A on transcript NM_000722.4 (MANE Select); coding-DNA position 961, G replaced by A.
Protein change: p.Ala321Thr; replaces alanine 321 with threonine.
Molecular consequence: missense variant.
Genome position (GRCh38, 1-based): chr7:82,038,154, C>T on the plus strand (G>A on the coding strand, the complement: CACNA2D1 is on the minus strand). VCF-style: chr7-82038154-C-T. GRCh37 (hg19) VCF-style: chr7-81667470-C-T.
Other names: c.961G>A, p.Ala321Thr (NM_001366867.1); c.961G>A (NM_000722.2); short protein forms A321T.
Identifiers: ClinVar variation 1491722 (VCV001491722.7), dbSNP rs747509072, ClinGen allele CA4318173.